The following is an entry in ClinVar:

ClinVar aggregate classification (germline): Benign. Review status: criteria provided, multiple submitters, no conflicts (2 of 4 stars). 3 submissions from 3 submitters: Benign (2). 1 of the submissions does not count toward it. Last evaluated 2026-02-01.

Conditions:
ANKZF1-related disorder. Also called: ANKZF1-related condition.

Allele frequency attached by ClinVar (database versions not stated): 1000 Genomes Project 30x 0.00172; 1000 Genomes Project 0.00200; gnomAD 0.00456 and 0.00481; ESP Exome Variant Server 0.00489; TOPMed 0.00490; ExAC 0.00660; gnomAD exomes 0.00719.
gnomAD v4.1: 11,230 of 1,614,192 alleles (0.7%); highest among the groups gnomAD compares: Middle Eastern, 2.5%; 64 homozygotes.

Submissions (3):

Labcorp Genetics (formerly Invitae), Labcorp
Classification: Benign. Last evaluated: 2026-02-01. Review status: criteria provided, single submitter. Criteria: Invitae Variant Classification Sherloc (09022015). Collection method: clinical testing. Allele origin: germline.

Breakthrough Genomics
Classification: Benign. Review status: criteria provided, single submitter. Criteria: ACMG Guidelines, 2015. Collection method: not provided. Allele origin: germline. Inheritance: Unknown mechanism. Affected: yes.

PreventionGenetics, part of Exact Sciences
Classification: Benign for ANKZF1-related condition. Last evaluated: 2020-01-14. Review status: no assertion criteria provided. Collection method: clinical testing. Allele origin: germline. Not counted in ClinVar's aggregate classification.
Comment: This variant is classified as benign based on ACMG/AMP sequence variant interpretation guidelines (Richards et al. 2015 PMID: 25741868, with internal and published modifications).

NM_018089.3(ANKZF1):c.439G>A (p.Glu147Lys)

Gene: ANKZF1 (ankyrin repeat and zinc finger peptidyl tRNA hydrolase 1; plus strand). Cytogenetic location: 2q35.
Variant type: single nucleotide variant.
Coding change: c.439G>A on transcript NM_018089.3 (MANE Select); coding-DNA position 439, G replaced by A.
Protein change: p.Glu147Lys; replaces glutamic acid 147 with lysine.
Molecular consequence: missense variant. On other transcripts: 5 prime UTR variant (1).
Genome position (GRCh38, 1-based): chr2:219,232,564, G>A. VCF-style: chr2-219232564-G-A. GRCh37 (hg19) VCF-style: chr2-220097286-G-A.
Other names: c.439G>A, p.Glu147Lys (NM_001042410.2); c.-192G>A (NM_001282792.2); c.439G>A (NM_018089.2); short protein forms E147K.
Identifiers: ClinVar variation 780100 (VCV000780100.12), dbSNP rs200506719, ClinGen allele CA2120754.